The following is an entry in ClinVar:

NM_000535.7(PMS2):c.466A>G (p.Thr156Ala)

Gene: PMS2 (PMS1 homolog 2, mismatch repair system component; minus strand). Cytogenetic location: 7p22.1.
Variant type: single nucleotide variant.
Coding change: c.466A>G on transcript NM_000535.7 (MANE Select); coding-DNA position 466, A replaced by G.
Protein change: p.Thr156Ala; replaces threonine 156 with alanine.
Molecular consequence: missense variant. On other transcripts: 5 prime UTR variant (2), non-coding transcript variant (1).
Genome position (GRCh38, 1-based): chr7:6,002,524, T>C on the plus strand (A>G on the coding strand, the complement: PMS2 is on the minus strand). VCF-style: chr7-6002524-T-C. GRCh37 (hg19) VCF-style: chr7-6042155-T-C.
Other names: c.61A>G, p.Thr21Ala (NM_001322003.2, NM_001322004.2, NM_001322005.2 and 3 more transcripts); c.466A>G, p.Thr156Ala (NM_001322006.2, NM_001322014.2); c.148A>G, p.Thr50Ala (NM_001322007.2, NM_001322008.2); c.-419A>G (NM_001322011.2, NM_001322012.2); c.157A>G, p.Thr53Ala (NM_001322015.2); short protein forms T156A, T50A, T53A, T21A.
Identifiers: ClinVar variation 188304 (VCV000188304.30), dbSNP rs786204206, ClinGen allele CA012119.

ClinVar aggregate classification (germline): Uncertain significance. Review status: criteria provided, multiple submitters, no conflicts (2 of 4 stars). 10 submissions from 10 submitters: Uncertain significance (9). 1 of the submissions does not count toward it. Last evaluated 2025-10-10.

Conditions:
Hereditary nonpolyposis colorectal neoplasms. Identifiers: MedGen C0009405, MeSH D003123.
Hereditary cancer-predisposing syndrome. Also called: Neoplastic Syndromes, Hereditary; Tumor predisposition; Hereditary Cancer Syndrome; Hereditary neoplastic syndrome. Identifiers: Orphanet 140162, MedGen C0027672, MeSH D009386, MONDO:0015356.
Lynch syndrome. Identifiers: Orphanet 144, MedGen C4552100, MONDO:0005835. Disease mechanism: loss of function.
Lynch syndrome 4 (LYNCH4). Also called: Colorectal cancer, hereditary nonpolyposis, type 4; Hereditary non-polyposis colorectal cancer, type 4. Identifiers: Orphanet 144, MedGen C1838333, MONDO:0013699, OMIM 614337. Disease mechanism: loss of function.

Allele frequency attached by ClinVar (database versions not stated): TOPMed below 0.00001; gnomAD 0.00001; gnomAD exomes 0.00001.

Submissions (10):

Labcorp Genetics (formerly Invitae), Labcorp
Classification: Uncertain significance for Hereditary nonpolyposis colorectal neoplasms. Last evaluated: 2025-10-10. Review status: criteria provided, single submitter. Criteria: Invitae Variant Classification Sherloc (09022015). Collection method: clinical testing. Allele origin: germline.
Comment: This sequence change replaces threonine, which is neutral and polar, with alanine, which is neutral and non-polar, at codon 156 of the PMS2 protein (p.Thr156Ala). This variant is present in population databases (rs786204206, gnomAD 0.007%). This missense change has been observed in individual(s) with colon and breast cancer (PMID: 26320870, 35449176). ClinVar contains an entry for this variant (Variation ID: 188304). Invitae Evidence Modeling incorporating data from in vitro experimental studies (internal data) indicates that this missense variant is not expected to disrupt PMS2 function with a negative predictive value of 95%. In summary, the available evidence is currently insufficient to determine the role of this variant in disease. Therefore, it has been classified as a Variant of Uncertain Significance.

Ambry Genetics
Classification: Uncertain significance for Hereditary cancer-predisposing syndrome. Last evaluated: 2025-09-16. Review status: criteria provided, single submitter. Criteria: Ambry Variant Classification Scheme 2023. Collection method: clinical testing. Allele origin: germline.
Comment: The p.T156A variant (also known as c.466A>G), located in coding exon 5 of the PMS2 gene, results from an A to G substitution at nucleotide position 466. The threonine at codon 156 is replaced by alanine, an amino acid with similar properties. In one functional study, this alteration demonstrated reduced interaction with Akt kinase and increased PMS2 protein stability (Jia J et al. Cell. Signal., 2013 Jun;25:1498-504). This amino acid position is highly conserved in available vertebrate species. In addition, this alteration is predicted to be deleterious by in silico analysis. Based on the available evidence, the clinical significance of this variant remains unclear.

St. Jude Molecular Pathology, St. Jude Children's Research Hospital
Classification: Uncertain significance for Lynch syndrome 4. Last evaluated: 2025-06-17. Review status: criteria provided, single submitter. Criteria: St. Jude Assertion Criteria 2020. Collection method: clinical testing. Allele origin: germline.
Comment: The PMS2 c.466A>G p.(Thr156Ala) missense change has a maximum subpopulation frequency of 0.00088% in gnomAD v2.1.1. In silico tools are inconclusive about a pathogenic or benign effect of this variant on protein function. To our knowledge, this variant has not been reported in individuals with Lynch syndrome or constitutional mismatch repair deficiency. In summary, the evidence currently available is insufficient to determine the clinical significance of this variant. It has therefore been classified as of uncertain significance.

Color Diagnostics, LLC DBA Color Health
Classification: Uncertain significance for Hereditary cancer-predisposing syndrome. Last evaluated: 2025-05-13. Review status: criteria provided, single submitter. Criteria: ACMG Guidelines, 2015. Collection method: clinical testing. Allele origin: germline.
Comment: This missense variant replaces threonine with alanine at codon 156 of the PMS2 protein. Computational prediction is inconclusive regarding the impact of this variant on protein structure and function. A functional study has shown that the variant may result in the loss of phosphorylation induced by Akt kinase and increased stability of the PMS2 protein (PMID: 23499907, 26423401). However, the clinical relevance of this observation is not known. This variant has been reported in individuals affected with colon and breast cancer (PMID: 26320870, 35449176). This variant has been identified in 2/250722 chromosomes in the general population by the Genome Aggregation Database (gnomAD). The available evidence is insufficient to determine the role of this variant in disease conclusively. Therefore, this variant is classified as a Variant of Uncertain Significance.

GeneDx
Classification: Uncertain significance. Last evaluated: 2024-02-26. Review status: criteria provided, single submitter. Criteria: GeneDx Variant Classification Process June 2021. Collection method: clinical testing. Allele origin: germline. Affected: yes.
Comment: In silico analysis supports that this missense variant has a deleterious effect on protein structure/function; Observed in individuals with colon and/or breast cancer (PMID: 26320870, 35449176); This variant is associated with the following publications: (PMID: 26423401, 23499907, 34626046, 35449176, 28767177, 11574484, 26320870)

Baylor Genetics
Classification: Uncertain significance for Lynch syndrome 4. Last evaluated: 2023-08-03. Review status: criteria provided, single submitter. Criteria: ACMG Guidelines, 2015. Collection method: clinical testing. Allele origin: unknown.

All of Us Research Program, National Institutes of Health
Classification: Uncertain significance for Lynch syndrome. Last evaluated: 2023-07-22. Review status: criteria provided, single submitter. Criteria: ACMG Guidelines, 2015. Collection method: clinical testing. Allele origin: germline. Inheritance: Autosomal dominant inheritance. Observed: 2 variant alleles, 2 heterozygotes.
Comment: This missense variant replaces threonine with alanine at codon 156 of the PMS2 protein. Computational prediction tools and conservation analyses suggest that this variant may have deleterious impact on protein structure and function. Computational splicing tools suggest that this variant may not impact RNA splicing. Functional study has shown that the variant may result in the loss of phosphorylation induced by Akt kinase and increased stability of PMS2 protein (PMID: 26423401). However, clinical relevance of this observation is not known. This variant has been reported in an individual affected with colon and breast cancer (PMID: 26320870). This variant has been identified in 2/250722 chromosomes in the general population by the Genome Aggregation Database (gnomAD). Available evidence is insufficient to determine the role of this variant in disease conclusively. Therefore, this variant is classified as a Variant of Uncertain Significance.

This study involves interpretation of variants in research participants for the purpose of population health screening. Participant phenotype was not available at the time of variant classification. Additional details can be found in publication PMID: 35346344, PMCID: PMC8962531

Quest Diagnostics Nichols Institute San Juan Capistrano
Classification: Uncertain significance. Last evaluated: 2023-06-07. Review status: criteria provided, single submitter. Criteria: Quest Diagnostics criteria. Collection method: clinical testing. Allele origin: unknown.
Comment: In the published literature, this variant has been reported in affected individuals with breast cancer (PMIDs: 26320870 (2015) and 35449176 (2022)), as well as colorectal cancer (PMID: 26320870 (2015)). Functional studies demonstrated reduced interaction with Akt kinase and increased stability of PMS2 protein (PMIDs: 23499907 (2013) and 26423401 (2016)). The frequency of this variant in the general population, 0.000008 (2/250722 chromosomes (Genome Aggregation Database)), is uninformative in the assessment of its pathogenicity. Analysis of this variant using bioinformatics tools for the prediction of the effect of amino acid changes on protein structure and function yielded predictions that this variant is damaging. Based on the available information, we are unable to determine the clinical significance of this variant.

Myriad Genetics, Inc.
Classification: Uncertain significance for Lynch syndrome 4. Last evaluated: 2023-04-04. Review status: criteria provided, single submitter. Criteria: Myriad Autosomal Dominant, Autosomal Recessive and X-Linked Classification Criteria (2023). Collection method: clinical testing. Allele origin: unknown.
Comment: This variant is classified as a variant of uncertain significance as there is insufficient evidence to determine its impact on protein function and/or cancer risk.

Counsyl
Classification: Uncertain significance for Lynch syndrome 4. Last evaluated: 2017-05-12. Review status: no assertion criteria provided. Collection method: clinical testing. Allele origin: unknown. Not counted in ClinVar's aggregate classification.

Literature cited by the submitters: PubMed 26320870 (cited by 6 submitters); PubMed 35449176 (cited by 3 submitters); PubMed 23499907 (cited by 4 submitters); PubMed 28767177 (cited by Ambry Genetics and Quest Diagnostics Nichols Institute San Juan Capistrano); PubMed 26423401 (cited by 4 submitters); PubMed 22949387 (cited by Counsyl).